The following is an entry in ClinVar:

NM_024747.6(HPS6):c.1789G>C (p.Ala597Pro)

Gene: HPS6 (HPS6 biogenesis of lysosomal organelles complex 2 subunit 3; plus strand). Cytogenetic location: 10q24.32.
Variant type: single nucleotide variant.
Coding change: c.1789G>C on transcript NM_024747.6 (MANE Select); coding-DNA position 1789, G replaced by C.
Protein change: p.Ala597Pro; replaces alanine 597 with proline.
Molecular consequence: missense variant.
Genome position (GRCh38, 1-based): chr10:102,067,263, G>C. VCF-style: chr10-102067263-G-C. GRCh37 (hg19) VCF-style: chr10-103827020-G-C.
Other names: short protein forms A597P.
Identifiers: ClinVar variation 1899303 (VCV001899303.2), dbSNP rs776580471, ClinGen allele CA377872206.

ClinVar aggregate classification (germline): Uncertain significance (1 of 4 stars; one submission).

gnomAD v4.1: 11 of 1,612,690 alleles (0.00068%); highest among the groups gnomAD compares: East Asian, 0.0022%; no homozygotes.

Submission:

Labcorp Genetics (formerly Invitae), Labcorp
Classification: Uncertain significance. Last evaluated: 2022-05-07. Review status: criteria provided, single submitter. Criteria: Invitae Variant Classification Sherloc (09022015). Collection method: clinical testing. Allele origin: germline.
Comment: This sequence change replaces alanine, which is neutral and non-polar, with proline, which is neutral and non-polar, at codon 597 of the HPS6 protein (p.Ala597Pro). This variant is present in population databases (no rsID available, gnomAD 0.006%). This variant has not been reported in the literature in individuals affected with HPS6-related conditions. Algorithms developed to predict the effect of missense changes on protein structure and function are either unavailable or do not agree on the potential impact of this missense change (SIFT: "Tolerated"; PolyPhen-2: "Possibly Damaging"; Align-GVGD: "Class C0"). In summary, the available evidence is currently insufficient to determine the role of this variant in disease. Therefore, it has been classified as a Variant of Uncertain Significance.